The following is an entry in ClinVar:

NM_001244926.2(PRPF4):c.1554G>C (p.Trp518Cys)

Gene: PRPF4 (pre-mRNA splicing tri-snRNP complex factor PRPF4; plus strand). Cytogenetic location: 9q32.
Variant type: single nucleotide variant.
Coding change: c.1554G>C on transcript NM_001244926.2 (MANE Select); coding-DNA position 1554, G replaced by C.
Protein change: p.Trp518Cys; replaces tryptophan 518 with cysteine.
Molecular consequence: missense variant. On other transcripts: non-coding transcript variant (2).
Genome position (GRCh38, 1-based): chr9:113,291,648, G>C. VCF-style: chr9-113291648-G-C. GRCh37 (hg19) VCF-style: chr9-116053928-G-C.
Other names: c.828G>C, p.Trp276Cys (NM_001322266.2, NM_001322267.2); c.1557G>C, p.Trp519Cys (NM_004697.5); short protein forms W276C, W518C, W519C.
Identifiers: ClinVar variation 4810036 (VCV004810036.1).

ClinVar aggregate classification (germline): Uncertain significance (1 of 4 stars; one submission).

Submission:

Labcorp Genetics (formerly Invitae), Labcorp
Classification: Uncertain significance. Last evaluated: 2025-04-19. Review status: criteria provided, single submitter. Criteria: Invitae Variant Classification Sherloc (09022015). Collection method: clinical testing. Allele origin: germline.
Comment: This sequence change replaces tryptophan, which is neutral and slightly polar, with cysteine, which is neutral and slightly polar, at codon 519 of the PRPF4 protein (p.Trp519Cys). This variant is not present in population databases (gnomAD no frequency). This variant has not been reported in the literature in individuals affected with PRPF4-related conditions. An algorithm developed to predict the effect of missense changes on protein structure and function (PolyPhen-2) suggests that this variant is likely to be disruptive. In summary, the available evidence is currently insufficient to determine the role of this variant in disease. Therefore, it has been classified as a Variant of Uncertain Significance.